The following is an entry in ClinVar:

ClinVar aggregate classification (germline): Uncertain significance. Review status: criteria provided, multiple submitters, no conflicts (2 of 4 stars). 2 submissions from 2 submitters: Uncertain significance (2). Last evaluated 2023-12-07.

Allele frequency attached by ClinVar (database versions not stated): gnomAD 0.00001; gnomAD exomes 0.00003 and 0.00011; TOPMed 0.00006; ESP Exome Variant Server 0.00008; ExAC 0.00009.
gnomAD v4.1: 39 of 1,612,860 alleles (0.0024%); highest among the groups gnomAD compares: Admixed American, 0.045%; no homozygotes.

Submissions (2):

Blueprint Genetics
Classification: Uncertain significance. Last evaluated: 2023-12-07. Review status: criteria provided, single submitter. Criteria: ACMG Guidelines, 2015. Collection method: clinical testing. Allele origin: germline.

Labcorp Genetics (formerly Invitae), Labcorp
Classification: Uncertain significance. Last evaluated: 2022-09-27. Review status: criteria provided, single submitter. Criteria: Invitae Variant Classification Sherloc (09022015). Collection method: clinical testing. Allele origin: germline.
Comment: This sequence change replaces serine, which is neutral and polar, with leucine, which is neutral and non-polar, at codon 144 of the ATF6 protein (p.Ser144Leu). This variant is present in population databases (rs374093774, gnomAD 0.07%). This variant has not been reported in the literature in individuals affected with ATF6-related conditions. ClinVar contains an entry for this variant (Variation ID: 1015983). Advanced modeling of protein sequence and biophysical properties (such as structural, functional, and spatial information, amino acid conservation, physicochemical variation, residue mobility, and thermodynamic stability) performed at Invitae indicates that this missense variant is not expected to disrupt ATF6 protein function. Algorithms developed to predict the effect of sequence changes on RNA splicing suggest that this variant may disrupt the consensus splice site. In summary, the available evidence is currently insufficient to determine the role of this variant in disease. Therefore, it has been classified as a Variant of Uncertain Significance.

NM_007348.4(ATF6):c.431C>T (p.Ser144Leu)

Gene: ATF6 (activating transcription factor 6; plus strand). Cytogenetic location: 1q23.3.
Variant type: single nucleotide variant.
Coding change: c.431C>T on transcript NM_007348.4 (MANE Select); coding-DNA position 431, C replaced by T.
Protein change: p.Ser144Leu; replaces serine 144 with leucine.
Molecular consequence: missense variant.
Genome position (GRCh38, 1-based): chr1:161,791,484, C>T. VCF-style: chr1-161791484-C-T. GRCh37 (hg19) VCF-style: chr1-161761274-C-T.
Other names: short protein forms S144L.
Identifiers: ClinVar variation 1015983 (VCV001015983.3), dbSNP rs374093774, ClinGen allele CA1214202.
Genomic context (GRCh38, chr1:161,791,484, plus strand): 5'-CTTCTAGTTCTCAGATGTCTCCCCTTTCCTTATATGGTGAAAACTCTAATAGTCTCTCTT[C>T]AGCGGAGCCACTGAAGGAAGATAAGCCTGTCACTGGTCCTAGGAACAAGACTGGTATTAC-3'
Protein context (NP_031374.2, residues 134-154): LYGENSNSLS[Ser144Leu]AEPLKEDKPV